The following is an entry in ClinVar:

ClinVar aggregate classification (germline): Uncertain significance (1 of 4 stars; one submission).

Conditions:
Congenital hypothyroidism. Identifiers: Orphanet 442, MedGen C0010308, MONDO:0018612, HP:0000851.

gnomAD v4.1: 8 of 1,613,630 alleles (0.0005%); highest among the groups gnomAD compares: Non-Finnish European, 0.00059%; no homozygotes.

Submission:

Cambridge Genomics Laboratory, East Genomic Laboratory Hub, NHS Genomic Medicine Service
Classification: Uncertain significance for Congenital hypothyroidism. Last evaluated: 2026-10-26. Review status: criteria provided, single submitter. Criteria: ACGS Best Practice Guidelines for Variant Classification in Rare Disease 2020. Collection method: clinical testing. Allele origin: germline. Affected: yes.
Comment: PM2

NM_207581.4(DUOXA2):c.501C>G (p.Cys167Trp)

Gene: DUOXA2 (dual oxidase maturation factor 2; plus strand). Cytogenetic location: 15q21.1.
Variant type: single nucleotide variant.
Coding change: c.501C>G on transcript NM_207581.4 (MANE Select); coding-DNA position 501, C replaced by G.
Protein change: p.Cys167Trp; replaces cysteine 167 with tryptophan.
Molecular consequence: missense variant.
Genome position (GRCh38, 1-based): chr15:45,116,676, C>G. VCF-style: chr15-45116676-C-G. GRCh37 (hg19) VCF-style: chr15-45408874-C-G.
Other names: short protein forms C167W.
Identifiers: ClinVar variation 5042642 (VCV005042642.1).